The following is an entry in ClinVar:

ClinVar aggregate classification (germline): Conflicting classifications of pathogenicity. Review status: criteria provided, conflicting classifications (1 of 4 stars). 4 submissions from 4 submitters: Uncertain significance (3); Likely benign (1). Last evaluated 2026-06-15.

Conditions:
RYR1-related disorder. Also called: RYR1-related condition; RYR1-related disorders. Identifiers: MedGen CN239331.

Submissions (4):

PreventionGenetics, part of Exact Sciences
Classification: Uncertain significance for RYR1-related condition. Last evaluated: 2026-06-15. Review status: criteria provided, single submitter. Criteria: ACMG Guidelines, 2015. Collection method: clinical testing. Allele origin: germline.
Comment: The RYR1 c.12860_12869delinsT variant is predicted to result in an in-frame deletion and insertion. This variant has been reported in a patient with non-core myopathy with proximal muscle weakness, gait difficulties and facial palsy (Patient F in Brás et al. 2013. PubMed ID: 23897157). The p.Ala4287_Ala4290delinsVal variant has not been reported in a large population database, indicating this variant is rare. However, similar in-frame deletions and duplications in this region are reported with high frequencies in gnomAD, including many homozygotes indicating that variation in this region may be tolerated (eg.). At PreventionGenetics, we have observed this variant in other patients undergoing testing for RYR1-related disorders (Internal Data). At this time, the clinical significance is uncertain due to the absence of conclusive functional and genetic information.

GeneDx
Classification: Likely benign. Last evaluated: 2021-09-23. Review status: criteria provided, single submitter. Criteria: GeneDx Variant Classification Process June 2021. Collection method: clinical testing. Allele origin: germline. Affected: yes.
Comment: In-frame deletion of 4 amino acids and insertion of 1 amino acid in a non-repeat region In silico analysis, which includes protein predictors and evolutionary conservation, supports that this variant does not alter protein structure/function Has not been previously published as pathogenic or benign to our knowledge

Labcorp Genetics (formerly Invitae), Labcorp
Classification: Uncertain significance for RYR1-related disorder. Last evaluated: 2016-10-08. Review status: criteria provided, single submitter. Criteria: Invitae Variant Classification Sherloc (09022015). Collection method: clinical testing. Allele origin: germline.
Comment: This sequence change deletes 10 nucleotides and inserts 1 nucleotide into exon 91 of the RYR1 mRNA (c.12860_12869delinsT). This leads to the deletion of amino acids 4287-4290 and the insertion of 1 amino acid (valine) in the RYR1 protein (p.Ala4287_Ala4290delinsVal), but otherwise preserves the integrity of the reading frame. While this variant is present in population databases, the frequency information is unreliable, as metrics indicate poor data quality at this position in the ExAC database. This variant has not been reported in the literature in an individual with a RYR1-related disease. ClinVar contains an entry for this variant (Variation ID: 199216). Experimental studies and prediction algorithms are not available for this variant, and the functional significance of the deleted and inserted amino acids is currently unknown. This missense change is located in the C-terminal mutational hotspot of the RYR1 protein where a significant number of previously reported RYR1 missense mutations are found (PMID: 16084090). In summary, this is a rare variant with uncertain impact on protein function. There is no indication that this variant causes disease, but the evidence is insufficient at this time to prove that conclusively. Therefore, it has been classified as a Variant of Uncertain Significance.

Eurofins Ntd Llc (ga)
Classification: Uncertain significance. Last evaluated: 2014-07-11. Review status: criteria provided, single submitter. Criteria: EGL Classification Definitions 2015. Collection method: clinical testing. Allele origin: germline. Observed: 2 variant alleles, 2 heterozygotes.

NM_000540.3(RYR1):c.12860_12869delinsT (p.Ala4287_Ala4290delinsVal)

Gene: RYR1 (ryanodine receptor 1; plus strand). Cytogenetic location: 19q13.2.
Variant type: Indel.
Coding change: c.12860_12869delinsT on transcript NM_000540.3 (MANE Select); coding-DNA positions 12860 to 12869, CCACGGCGGC replaced by T.
Protein change: p.Ala4287_Ala4290delinsVal.
Molecular consequence: inframe indel.
Genome position (GRCh38, 1-based): chr19:38,565,194-38,565,203, CCACGGCGGC replaced by T. VCF-style: chr19-38565194-CCACGGCGGC-T. GRCh37 (hg19) VCF-style: chr19-39055834-CCACGGCGGC-T.
Other names: c.12860_12869delCCACGGCGGCinsT (NM_000540.2); c.12845_12854delinsT, p.Ala4282_Ala4285delinsVal (NM_001042723.2).
Identifiers: ClinVar variation 199216 (VCV000199216.14), dbSNP rs796065337, ClinGen allele CA248295.
Genomic context (GRCh38, chr19:38,565,194, plus strand): 5'-CGGCGGAGGCGGGCGCGGAAGGCGCGGAGGAGGGCGCGGCGGGGCTCGAGGGCACGGCGG[CCACGGCGGC>T]GGCGGGGGCGACGGCGCGGGTTGTGGCGGCCGCAGGCCGGGCCCTGCGAGGCCTCAGCTA-3'